The following is an entry in ClinVar:

ClinVar aggregate classification (germline): Likely pathogenic (3 of 4 stars; one submission).

Conditions:
Bernard Soulier syndrome (BSS). Also called: GLYCOPROTEIN Ib, PLATELET, DEFICIENCY OF; PLATELET GLYCOPROTEIN Ib DEFICIENCY; VON WILLEBRAND FACTOR RECEPTOR DEFICIENCY; Giant platelet syndrome; Hemorrhagiparous thrombocytic dystrophy; Giant platelet disease. Identifiers: Orphanet 274, MedGen C0005129, MeSH D001606, MONDO:0009276, OMIM 231200.

Submission:

ClinGen Platelet Disorders Variant Curation Expert Panel, ClinGen
Classification: Likely pathogenic for Bernard Soulier syndrome. Last evaluated: 2025-04-15. Review status: reviewed by expert panel. Criteria: ClinGen Platelet ACMG Specifications GP1BA V1.0.0. Collection method: curation. Allele origin: germline. Inheritance: Autosomal recessive inheritance.
Comment: The c.266dup (p.Asp89GlufsTer63) variant in GP1BA is a frameshift variant that may cause a premature stop codon that is predicted to escape nonsense mediated decay, however the truncation includes the functionally important transmembrane domain (removes amino acids 532-553) in a gene where loss-of-function is an established disease mechanism (PVS1_Strong). At least one patient (Patient BSS13.01 in PMID:23995613) with this variant had aggregation absent for ristocetin and present for all other agonists and less than 10% expression of GPIba measured by flow cytometry, which is highly specific for Bernard-Soulier syndrome. Additionally, the patient had excessive mucocutaneous bleeding and macrothrombocytopenia which are consistent with Bernard-Soulier syndrome (PP4). This variant is absent from gnomAD v4.1.0 (PM2_Supporting). In summary, this variant meets the criteria to be classified as Likely Pathogenic for autosomal recessive Bernard-Soulier syndrome based on the ACMG/AMP criteria applied, as specified by the ClinGen PD VCEP: PVS1_Strong, PP4, PM3_Supporting and PM2_Supporting (VCEP specifications version 1).

NM_000173.7(GP1BA):c.266dup (p.Asp89fs)

Gene: GP1BA (glycoprotein Ib platelet subunit alpha; plus strand). Cytogenetic location: 17p13.2.
Variant type: Duplication.
Coding change: c.266dup on transcript NM_000173.7 (MANE Select); coding-DNA position 266, one base duplicated (A; older notation c.266dupA).
Protein change: p.Asp89fs; shifts the reading frame from aspartic acid 89.
Molecular consequence: frameshift variant.
Genome position (GRCh38, 1-based): chr17:4,932,870, A duplicated. VCF-style (leftmost placement, unchanged base first): chr17-4932869-G-GA. GRCh37 (hg19) VCF-style: chr17-4836164-G-GA.
Other names: NM_000173.7:c.266dup; short protein forms D89fs.
Identifiers: ClinVar variation 4087786 (VCV004087786.1).